The following is an entry in ClinVar:

ClinVar aggregate classification (germline): Conflicting classifications of pathogenicity. Review status: criteria provided, conflicting classifications (1 of 4 stars). 3 submissions from 3 submitters: Uncertain significance (2); Benign (1). Last evaluated 2025-02-06.

Conditions:
Glucocorticoid deficiency with achalasia (AAAS). Also called: AAA syndrome; Allgrove syndrome; Addisonian achalasia syndrome; Achalasia-addisonianism-alacrimia syndrome; Achalasia-Addisonianism-Alacrima (Triple-A) Syndrome; Triple-A syndrome. Identifiers: Orphanet 869, MedGen C0271742, MONDO:0009279, OMIM 231550.
Inborn genetic diseases. Identifiers: MedGen C0950123, MeSH D030342.

Allele frequency attached by ClinVar (database versions not stated): ExAC 0.00005; gnomAD 0.00006.
gnomAD v4.1: 87 of 1,614,184 alleles (0.0054%); highest among the groups gnomAD compares: Middle Eastern, 0.12%; no homozygotes.

Submissions (3):

Ambry Genetics
Classification: Uncertain significance for Inborn genetic diseases. Last evaluated: 2025-02-06. Review status: criteria provided, single submitter. Criteria: Ambry Variant Classification Scheme 2023. Collection method: clinical testing. Allele origin: germline.

Dr.Nikuei Genetic Center
Classification: Benign for Glucocorticoid deficiency with achalasia. Last evaluated: 2024-06-21. Review status: criteria provided, single submitter. Criteria: ACMG Guidelines, 2015. Collection method: clinical testing. Allele origin: germline. Affected: no.

Labcorp Genetics (formerly Invitae), Labcorp
Classification: Uncertain significance. Last evaluated: 2022-07-16. Review status: criteria provided, single submitter. Criteria: Invitae Variant Classification Sherloc (09022015). Collection method: clinical testing. Allele origin: germline.
Comment: This sequence change replaces alanine, which is neutral and non-polar, with glycine, which is neutral and non-polar, at codon 506 of the AAAS protein (p.Ala506Gly). This variant is present in population databases (rs769964818, gnomAD 0.008%). This variant has not been reported in the literature in individuals affected with AAAS-related conditions. Algorithms developed to predict the effect of missense changes on protein structure and function (SIFT, PolyPhen-2, Align-GVGD) all suggest that this variant is likely to be tolerated. Algorithms developed to predict the effect of sequence changes on RNA splicing suggest that this variant may create or strengthen a splice site. In summary, the available evidence is currently insufficient to determine the role of this variant in disease. Therefore, it has been classified as a Variant of Uncertain Significance.

NM_015665.6(AAAS):c.1517C>G (p.Ala506Gly)

Gene: AAAS (aladin WD repeat nucleoporin; minus strand). Cytogenetic location: 12q13.13.
Variant type: single nucleotide variant.
Coding change: c.1517C>G on transcript NM_015665.6 (MANE Select); coding-DNA position 1517, C replaced by G.
Protein change: p.Ala506Gly; replaces alanine 506 with glycine.
Molecular consequence: missense variant.
Genome position (GRCh38, 1-based): chr12:53,307,613, G>C on the plus strand (C>G on the coding strand, the complement: AAAS is on the minus strand). VCF-style: chr12-53307613-G-C. GRCh37 (hg19) VCF-style: chr12-53701397-G-C.
Other names: c.1517C>G (NM_015665.5); c.1418C>G, p.Ala473Gly (NM_001173466.2); short protein forms A506G, A473G.
Identifiers: ClinVar variation 2188953 (VCV002188953.3), dbSNP rs769964818, ClinGen allele CA6598807.